The following is an entry in ClinVar:

ClinVar aggregate classification (germline): Conflicting classifications of pathogenicity. Review status: criteria provided, conflicting classifications (1 of 4 stars). 3 submissions from 3 submitters: Uncertain significance (1); Benign (1). 1 of the submissions does not count toward it. Last evaluated 2025-03-12.

Conditions:
PIGS-related disorder. Also called: PIGS-related condition.

Allele frequency attached by ClinVar (database versions not stated): ExAC 0.00048; 1000 Genomes Project 0.00100; 1000 Genomes Project 30x 0.00109; gnomAD 0.00146; TOPMed 0.00171; ESP Exome Variant Server 0.00200.
gnomAD v4.1: 455 of 1,614,208 alleles (0.028%); highest among the groups gnomAD compares: African/African-American, 0.56%; 1 homozygote.

Submissions (3):

Mayo Clinic Laboratories, Mayo Clinic
Classification: Benign. Last evaluated: 2025-03-12. Review status: criteria provided, single submitter. Criteria: ACMG Guidelines, 2015. Collection method: clinical testing. Allele origin: germline. Observed: 1 variant allele.
Comment: BA1

Blueprint Genetics
Classification: Uncertain significance. Last evaluated: 2024-09-11. Review status: criteria provided, single submitter. Criteria: ACMG Guidelines, 2015. Collection method: clinical testing. Allele origin: germline.

PreventionGenetics, part of Exact Sciences
Classification: Likely benign for PIGS-related condition. Last evaluated: 2019-06-07. Review status: no assertion criteria provided. Collection method: clinical testing. Allele origin: germline. Not counted in ClinVar's aggregate classification.
Comment: This variant is classified as likely benign based on ACMG/AMP sequence variant interpretation guidelines (Richards et al. 2015 PMID: 25741868, with internal and published modifications).

NM_033198.4(PIGS):c.1481C>G (p.Ala494Gly)

Gene: PIGS (phosphatidylinositol glycan anchor biosynthesis class S; minus strand). Cytogenetic location: 17q11.2.
Variant type: single nucleotide variant.
Coding change: c.1481C>G on transcript NM_033198.4 (MANE Select); coding-DNA position 1481, C replaced by G.
Protein change: p.Ala494Gly; replaces alanine 494 with glycine.
Molecular consequence: missense variant.
Genome position (GRCh38, 1-based): chr17:28,554,407, G>C on the plus strand (C>G on the coding strand, the complement: PIGS is on the minus strand). VCF-style: chr17-28554407-G-C. GRCh37 (hg19) VCF-style: chr17-26881425-G-C.
Other names: p.Ala494Gly; short protein forms A494G.
Identifiers: ClinVar variation 3043826 (VCV003043826.4), dbSNP rs148979149, ClinGen allele CA8459968.
Genomic context (GRCh38, chr17:28,554,407, plus strand): 5'-GGGAAATAAAGGAGGTGGAGGAGTGACGGGTCAAAGAAGGCAAGCTCAGAGGATGTCACA[G>C]CTTCCTGGCTGGCGACAAAGGCAGATGCCAGGTGCCCAGACGCCAACTCTTCTGCCGACT-3'
Protein context (NP_149975.1, residues 484-504): LASAFVASQE[Ala494Gly]VTSSELAFFD